The following is an entry in ClinVar:

NM_000292.3(PHKA2):c.869G>A (p.Arg290His)

Gene: PHKA2 (phosphorylase kinase regulatory subunit alpha 2; minus strand). Cytogenetic location: Xp22.13.
Variant type: single nucleotide variant.
Coding change: c.869G>A on transcript NM_000292.3 (MANE Select); coding-DNA position 869, G replaced by A.
Protein change: p.Arg290His; replaces arginine 290 with histidine.
Molecular consequence: missense variant.
Genome position (GRCh38, 1-based): chrX:18,940,044, C>T on the plus strand (G>A on the coding strand, the complement: PHKA2 is on the minus strand). VCF-style: chrX-18940044-C-T. GRCh37 (hg19) VCF-style: chrX-18958162-C-T.
Other names: short protein forms R290H.
Identifiers: ClinVar variation 973283 (VCV000973283.7), dbSNP rs186632999, ClinGen allele CA10362030.

ClinVar aggregate classification (germline): Uncertain significance. Review status: criteria provided, multiple submitters, no conflicts (2 of 4 stars). 3 submissions from 3 submitters: Uncertain significance (3). Last evaluated 2024-06-11.

Conditions:
Glycogen storage disease IXa1. Also called: Glycogen storage disease 8; GLYCOGEN STORAGE DISEASE VIII; GSD VIII; LIVER GLYCOGENOSIS, X-LINKED, TYPE I. Identifiers: Orphanet 264580, MedGen C3694531, MONDO:0010598, OMIM 306000.

Allele frequency attached by ClinVar (database versions not stated): ExAC 0.00001; gnomAD exomes 0.00001; gnomAD 0.00002; TOPMed 0.00003; 1000 Genomes Project 0.00026; 1000 Genomes Project 30x 0.00042.

Submissions (3):

ARUP Laboratories, Molecular Genetics and Genomics, ARUP Laboratories
Classification: Uncertain significance. Last evaluated: 2024-06-11. Review status: criteria provided, single submitter. Criteria: ARUP Molecular Germline Variant Investigation Process 2024. Collection method: clinical testing. Allele origin: germline.
Comment: The PHKA2 c.869G>A; p.Arg290His variant (rs186632999), to our knowledge, is not reported in the medical literature in a PHKA2 related disorder but is reported in ClinVar (Variation ID: 973283). This variant is found in the general population with an overall allele frequency of 0.001% (2/183,366 alleles, including 1 hemizygote) in the Genome Aggregation Database (v2.1.1). Computational analyses predict that this variant is deleterious (REVEL: 0.829). Due to limited information, the clinical significance of this variant is uncertain at this time.

Labcorp Genetics (formerly Invitae), Labcorp
Classification: Uncertain significance for Glycogen storage disease IXa1. Last evaluated: 2022-07-30. Review status: criteria provided, single submitter. Criteria: Invitae Variant Classification Sherloc (09022015). Collection method: clinical testing. Allele origin: germline.
Comment: This sequence change replaces arginine, which is basic and polar, with histidine, which is basic and polar, at codon 290 of the PHKA2 protein (p.Arg290His). This variant is present in population databases (rs186632999, gnomAD 0.008%). This variant has not been reported in the literature in individuals affected with PHKA2-related conditions. ClinVar contains an entry for this variant (Variation ID: 973283). Algorithms developed to predict the effect of missense changes on protein structure and function are either unavailable or do not agree on the potential impact of this missense change (SIFT: "Deleterious"; PolyPhen-2: "Benign"; Align-GVGD: "Class C0"). In summary, the available evidence is currently insufficient to determine the role of this variant in disease. Therefore, it has been classified as a Variant of Uncertain Significance.

Illumina Laboratory Services, Illumina
Classification: Uncertain significance for Glycogen storage disease type IXa1. Last evaluated: 2019-11-26. Review status: criteria provided, single submitter. Criteria: ICSLVariantClassificationCriteria RUGD 01 April 2020. Collection method: clinical testing. Allele origin: unknown.
Comment: The PHKA2 c.869G>A (p.Arg290His) variant is a missense variant. A literature search was performed for the gene, cDNA change, and amino acid change. No publications were found based on this search in relation to phosphorylase kinase deficiency. The p.Arg290His variant is reported at a frequency of 0.000076 in the African population of the Genome Aggregation Database (gnomAD), but this is based on one allele in a region of good sequence coverage, so the variant is presumed to be rare. In addition, this variant has been observed in a hemizygote state in one individual in gnomAD, but adults with the associated phosphorylase kinase deficiency may be asymptomatic (Kishani et al. 2019). Based on the limited evidence, the p.Arg290His variant is classified as a variant of unknown significance for PHKA2-related phosphorylase kinase deficiency.

Literature cited by the submitters: PubMed 30659246 (cited by Illumina Laboratory Services, Illumina).